The following is an entry in ClinVar:

NM_000399.5(EGR2):c.88G>A (p.Asp30Asn)

Gene: EGR2 (early growth response 2; minus strand). Cytogenetic location: 10q21.3.
Variant type: single nucleotide variant.
Coding change: c.88G>A on transcript NM_000399.5 (MANE Select); coding-DNA position 88, G replaced by A.
Protein change: p.Asp30Asn; replaces aspartic acid 30 with asparagine.
Molecular consequence: missense variant. On other transcripts: 5 prime UTR variant (2).
Genome position (GRCh38, 1-based): chr10:62,815,942, C>T on the plus strand (G>A on the coding strand, the complement: EGR2 is on the minus strand). VCF-style: chr10-62815942-C-T. GRCh37 (hg19) VCF-style: chr10-64575702-C-T.
Other names: c.88G>A, p.Asp30Asn (NM_001136177.3, NM_001136178.2); c.-63G>A (NM_001136179.3, NM_001321037.2); c.88G>A (NM_000399.4); short protein forms D30N.
Identifiers: ClinVar variation 439641 (VCV000439641.23), dbSNP rs371222708, ClinGen allele CA5517343.
Genomic context (GRCh38, chr10:62,815,942, plus strand): 5'-GGTCAAAGGGGCCTCCCAGTTCGGCATTGGGAAAGATGGTCACCGACGTGGCGGCGAGGT[C>T]CTCCACCGGGTAGATGTTGTCAGACAGCTGGTGCACAAAACCACTGAGAGTTACTGGGAT-3'
Protein context (NP_000390.2, residues 20-40): QLSDNIYPVE[Asp30Asn]LAATSVTIFP

ClinVar aggregate classification (germline): Uncertain significance. Review status: criteria provided, multiple submitters, no conflicts (2 of 4 stars). 5 submissions from 5 submitters: Uncertain significance (5). Last evaluated 2026-09-25.

Conditions:
EGR2-related disorder. Also called: EGR2-related condition.
Inborn genetic diseases. Identifiers: MedGen C0950123, MeSH D030342.
Charcot-Marie-Tooth disease, type I (CMT1). Also called: Charcot-Marie-Tooth, Type 1; Charcot-Marie-Tooth disease type 1. Identifiers: Orphanet 65753, MedGen C0751036, MONDO:0019011.

Allele frequency attached by ClinVar (database versions not stated): gnomAD 0.00001; gnomAD exomes 0.00001 and 0.00002; ExAC 0.00002; TOPMed 0.00002; ESP Exome Variant Server 0.00008.
gnomAD v4.1: 14 of 1,614,090 alleles (0.00087%); highest among the groups gnomAD compares: Non-Finnish European, 0.00085%; no homozygotes.

Submissions (5):

PreventionGenetics, part of Exact Sciences
Classification: Uncertain significance for EGR2-related condition. Last evaluated: 2026-09-25. Review status: criteria provided, single submitter. Criteria: ACMG Guidelines, 2015. Collection method: clinical testing. Allele origin: germline.
Comment: The EGR2 c.88G>A variant is predicted to result in the amino acid substitution p.Asp30Asn. To our knowledge, this variant has not been reported in the literature. This variant is reported in 0.0046% of alleles in individuals of European (Finnish) descent in gnomAD. At this time, the clinical significance of this variant is uncertain due to the absence of conclusive functional and genetic evidence.

Women's Health and Genetics/Laboratory Corporation of America, LabCorp
Classification: Uncertain significance. Last evaluated: 2026-05-18. Review status: criteria provided, single submitter. Criteria: LabCorp Variant Classification Summary - May 2015. Collection method: clinical testing. Allele origin: germline.
Comment: Variant summary: EGR2 c.88G>A (p.Asp30Asn) results in a conservative amino acid change in the encoded protein sequence. Algorithms developed to predict the effect of missense changes on protein structure and function are either unavailable or do not agree on the potential impact of this missense change. The variant allele was found at a frequency of 1.2e-05 in 251448 control chromosomes. The available data on variant occurrences in the general population are insufficient to allow any conclusion about variant significance. To our knowledge, no occurrence of c.88G>A in individuals affected with EGR2-related conditions and no experimental evidence demonstrating its impact on protein function have been reported. ClinVar contains an entry for this variant (Variation ID: 439641). Based on the evidence outlined above, the variant was classified as uncertain significance.

Labcorp Genetics (formerly Invitae), Labcorp
Classification: Uncertain significance for Charcot-Marie-Tooth disease, type I. Last evaluated: 2024-04-13. Review status: criteria provided, single submitter. Criteria: Invitae Variant Classification Sherloc (09022015). Collection method: clinical testing. Allele origin: germline.
Comment: This sequence change replaces aspartic acid, which is acidic and polar, with asparagine, which is neutral and polar, at codon 30 of the EGR2 protein (p.Asp30Asn). This variant is present in population databases (rs371222708, gnomAD 0.004%). This variant has not been reported in the literature in individuals affected with EGR2-related conditions. ClinVar contains an entry for this variant (Variation ID: 439641). Advanced modeling of protein sequence and biophysical properties (such as structural, functional, and spatial information, amino acid conservation, physicochemical variation, residue mobility, and thermodynamic stability) has been performed at Invitae for this missense variant, however the output from this modeling did not meet the statistical confidence thresholds required to predict the impact of this variant on EGR2 protein function. In summary, the available evidence is currently insufficient to determine the role of this variant in disease. Therefore, it has been classified as a Variant of Uncertain Significance.

Ambry Genetics
Classification: Uncertain significance for Inborn genetic diseases. Last evaluated: 2024-01-23. Review status: criteria provided, single submitter. Criteria: Ambry Variant Classification Scheme 2023. Collection method: clinical testing. Allele origin: germline.
Comment: The c.88G>A (p.D30N) alteration is located in exon 1 (coding exon 1) of the EGR2 gene. This alteration results from a G to A substitution at nucleotide position 88, causing the aspartic acid (D) at amino acid position 30 to be replaced by an asparagine (N). The heterozygous missense change is ultra rare in healthy individuals:_x000D_ Based on data from the NHLBI Exome Sequencing Project (ESP), the EGR2 c.88G>A alteration was observed in 1 among 13006 total alleles studied (0.01%). Allele frequency data for this nucleotide position are not currently available from the 1000 Genomes Project and the alteration is not currently listed in the Database of Single Nucleotide Polymorphisms (dbSNP). The altered amino acid is conserved throughout evolution:_x000D_ The p.D30 amino acid is conserved throughout vertebrates except in Zebrafish. The alteration is predicted deleterious by in silico models:_x000D_ The p.D30N alteration is predicted to be possibly damaging by Polyphen and deleterious by SIFT in silico analyses. Based on insufficient or conflicting evidence, the clinical significance of this alteration remains unclear.

ARUP Laboratories, Molecular Genetics and Genomics, ARUP Laboratories
Classification: Uncertain significance. Last evaluated: 2016-08-09. Review status: criteria provided, single submitter. Criteria: ARUP Molecular Germline Variant Investigation Process. Collection method: clinical testing. Allele origin: germline.